The following is an entry in ClinVar:

NM_004360.5(CDH1):c.2165-111G>C

Gene: CDH1 (cadherin 1; plus strand). Cytogenetic location: 16q22.1.
Variant type: single nucleotide variant.
Coding change: c.2165-111G>C on transcript NM_004360.5 (MANE Select); 111 bases into the intron before coding-DNA position 2165, G replaced by C.
Molecular consequence: intron variant.
Genome position (GRCh38, 1-based): chr16:68,828,063, G>C. VCF-style: chr16-68828063-G-C. GRCh37 (hg19) VCF-style: chr16-68861966-G-C.
Other names: c.617-111G>C (NM_001317185.2); c.200-111G>C (NM_001317186.2); c.1982-111G>C (NM_001317184.2).
Identifiers: ClinVar variation 2502992 (VCV002502992.1), dbSNP rs2543952696, ClinGen allele CA2580612894.

ClinVar aggregate classification (germline): Uncertain significance (1 of 4 stars; one submission).

Conditions:
Hereditary diffuse gastric adenocarcinoma (HDGC). Also called: DIFFUSE GASTRIC AND LOBULAR BREAST CANCER SYNDROME. Identifiers: Orphanet 26106, MedGen C1708349, MONDO:0007648, OMIM 137215.

Allele frequency attached by ClinVar (database versions not stated): gnomAD exomes below 0.00001.
gnomAD v4.1: 1 of 1,165,688 alleles (0.000086%); highest among the groups gnomAD compares: Non-Finnish European, 0.00013%; no homozygotes.

Submission:

European Reference Network on Genetic Tumour Risk Syndromes (ERN-GENTURIS), i3s - Instituto de Investigação e Inovação em Saúde, University of Porto
Classification: Uncertain significance for Hereditary diffuse gastric adenocarcinoma. Last evaluated: 2022-08-01. Review status: criteria provided, single submitter. Criteria: Lee et al. (Hum Mutat. 2018). Collection method: clinical testing. Allele origin: germline. Inheritance: Autosomal dominant inheritance. Affected: no. Study: ERN GENTURIS.
Comment: PM2 (PMID: 30311375)

Literature cited by the submitters: PubMed 36436516.